The following is an entry in ClinVar:

ClinVar aggregate classification (germline): Uncertain significance (1 of 4 stars; one submission).

Submission:

Ambry Genetics
Classification: Uncertain significance. Last evaluated: 2026-08-17. Review status: criteria provided, single submitter. Criteria: Ambry Variant Classification Scheme 2023. Collection method: clinical testing. Allele origin: germline.
Comment: The c.957+1G>T intronic variant results from a G to T substitution one nucleotide after coding exon 8 of the RAD51B gene. This nucleotide position is highly conserved in available vertebrate species. In silico splice site analysis predicts that this alteration will weaken the native splice donor site. The evidence for this gene-disease relationship is limited; therefore, the clinical significance of this variant is unclear.

NM_133510.4(RAD51B):c.957+1G>T

Gene: RAD51B (RAD51 paralog B; plus strand). Cytogenetic location: 14q24.1.
Variant type: single nucleotide variant.
Coding change: c.957+1G>T on transcript NM_133510.4 (MANE Select); the canonical splice donor site of the intron after coding-DNA position 957, G replaced by T.
Molecular consequence: splice donor variant.
Genome position (GRCh38, 1-based): chr14:68,411,528, G>T. VCF-style: chr14-68411528-G-T. GRCh37 (hg19) VCF-style: chr14-68878245-G-T.
Other names: c.957+1G>T (NM_001321818.2, NM_001321809.2, NM_001321821.2 and 6 more transcripts); c.600+1G>T (NM_001321817.2); c.843+1G>T (NM_001321815.1).
Identifiers: ClinVar variation 5027788 (VCV005027788.1).